The following is an entry in ClinVar:

NM_001099403.2(PRDM8):c.929G>T (p.Gly310Val)

Genes: PRDM8 (PR/SET domain 8; plus strand), LOC129992744 (ATAC-STARR-seq lymphoblastoid silent region 15521; plus strand). Cytogenetic location: 4q21.21.
Variant type: single nucleotide variant.
Coding change: c.929G>T on transcript NM_001099403.2 (MANE Select); coding-DNA position 929, G replaced by T.
Protein change: p.Gly310Val; replaces glycine 310 with valine.
Molecular consequence: missense variant.
Genome position (GRCh38, 1-based): chr4:80,202,391, G>T. VCF-style: chr4-80202391-G-T. GRCh37 (hg19) VCF-style: chr4-81123545-G-T.
Other names: c.929G>T, p.Gly310Val (NM_020226.4); short protein forms G310V.
Identifiers: ClinVar variation 2158751 (VCV002158751.4), dbSNP rs904039995, ClinGen allele CA100000582.

ClinVar aggregate classification (germline): Uncertain significance (1 of 4 stars; one submission).

Conditions:
Early-onset Lafora body disease. Also called: Epilepsy, progressive myoclonic, 10. Identifiers: Orphanet 324290, MedGen C4225258, MONDO:0014717, OMIM 616640.

gnomAD v4.1: 4 of 1,576,512 alleles (0.00025%); highest among the groups gnomAD compares: East Asian, 0.0023%; no homozygotes.

Submission:

Labcorp Genetics (formerly Invitae), Labcorp
Classification: Uncertain significance for Early-onset Lafora body disease. Last evaluated: 2022-08-11. Review status: criteria provided, single submitter. Criteria: Invitae Variant Classification Sherloc (09022015). Collection method: clinical testing. Allele origin: germline.
Comment: This sequence change replaces glycine, which is neutral and non-polar, with valine, which is neutral and non-polar, at codon 310 of the PRDM8 protein (p.Gly310Val). The frequency data for this variant in the population databases is considered unreliable, as metrics indicate poor data quality at this position in the gnomAD database. This variant has not been reported in the literature in individuals affected with PRDM8-related conditions. Algorithms developed to predict the effect of missense changes on protein structure and function (SIFT, PolyPhen-2, Align-GVGD) all suggest that this variant is likely to be tolerated. In summary, the available evidence is currently insufficient to determine the role of this variant in disease. Therefore, it has been classified as a Variant of Uncertain Significance.